The following is an entry in ClinVar:

ClinVar aggregate classification (germline): Uncertain significance (1 of 4 stars; one submission).

Submission:

Ambry Genetics
Classification: Uncertain significance. Last evaluated: 2025-12-07. Review status: criteria provided, single submitter. Criteria: Ambry Variant Classification Scheme 2023. Collection method: clinical testing. Allele origin: germline.
Comment: The p.A671V variant (also known as c.2012C>T), located in coding exon 8 of the WNK2 gene, results from a C to T substitution at nucleotide position 2012. The alanine at codon 671 is replaced by valine, an amino acid with similar properties. This amino acid position is conserved. In addition, this alteration is predicted to be tolerated by in silico analysis. Based on the available evidence, the clinical significance of this variant remains unclear.

NM_006648.4(WNK2):c.2012C>T (p.Ala671Val)

Gene: WNK2 (WNK lysine deficient protein kinase 2; plus strand). Cytogenetic location: 9q22.31.
Variant type: single nucleotide variant.
Coding change: c.2012C>T on transcript NM_006648.4 (MANE Select); coding-DNA position 2012, C replaced by T.
Protein change: p.Ala671Val; replaces alanine 671 with valine.
Molecular consequence: missense variant.
Genome position (GRCh38, 1-based): chr9:93,253,060, C>T. VCF-style: chr9-93253060-C-T. GRCh37 (hg19) VCF-style: chr9-96015342-C-T.
Other names: c.2012C>T, p.Ala671Val (NM_001282394.3); short protein forms A671V.
Identifiers: ClinVar variation 4605417 (VCV004605417.1).